The following is an entry in ClinVar:

NM_001122769.3(LCA5):c.753_754del (p.Asn251fs)

Gene: LCA5 (lebercilin LCA5; minus strand). Cytogenetic location: 6q14.1.
Variant type: Deletion.
Coding change: c.753_754del on transcript NM_001122769.3 (MANE Select); coding-DNA positions 753 to 754, 2 bases deleted (CA; older notation c.753_754delCA).
Protein change: p.Asn251fs; shifts the reading frame from asparagine 251.
Molecular consequence: frameshift variant.
Genome position (GRCh38, 1-based): chr6:79,493,717-79,493,718, TG deleted on the plus strand (CA on the coding strand, the reverse complement: LCA5 is on the minus strand); deleting any 2 consecutive bases within chr6:79,493,717-79,493,719 gives the same sequence; the c. name uses the placement nearest the transcript's 3' end. VCF-style (leftmost placement, unchanged base first): chr6-79493716-CTG-C. GRCh37 (hg19) VCF-style: chr6-80203433-CTG-C.
Other names: c.753_754del, p.Asn251fs (NM_181714.4); short protein forms N251fs.
Identifiers: ClinVar variation 1965177 (VCV001965177.6), dbSNP rs2533392146, ClinGen allele CA2578676750.

ClinVar aggregate classification (germline): Pathogenic/Likely pathogenic. Review status: criteria provided, multiple submitters, no conflicts (2 of 4 stars). 2 submissions from 2 submitters: Pathogenic (1); Likely pathogenic (1). Last evaluated 2024-03-07.

Conditions:
Leber congenital amaurosis 5 (LCA5). Also called: Amaurosis congenita of Leber, type 5. Identifiers: Orphanet 65, MedGen C1858301, MONDO:0011473, OMIM 604537.

Submissions (2):

Baylor Genetics
Classification: Likely pathogenic for Leber congenital amaurosis 5. Last evaluated: 2024-03-07. Review status: criteria provided, single submitter. Criteria: ACMG Guidelines, 2015. Collection method: clinical testing. Allele origin: unknown.

Labcorp Genetics (formerly Invitae), Labcorp
Classification: Pathogenic. Last evaluated: 2022-02-10. Review status: criteria provided, single submitter. Criteria: Invitae Variant Classification Sherloc (09022015). Collection method: clinical testing. Allele origin: germline.
Comment: For these reasons, this variant has been classified as Pathogenic. This variant has not been reported in the literature in individuals affected with LCA5-related conditions. This variant is not present in population databases (gnomAD no frequency). This sequence change creates a premature translational stop signal (p.Asn251Lysfs*9) in the LCA5 gene. It is expected to result in an absent or disrupted protein product. Loss-of-function variants in LCA5 are known to be pathogenic (PMID: 17546029, 23946133).

Literature cited by the submitters: PubMed 17546029 (cited by Labcorp Genetics (formerly Invitae), Labcorp); PubMed 23946133 (cited by Labcorp Genetics (formerly Invitae), Labcorp).